The following is an entry in ClinVar:

NM_020937.4(FANCM):c.3194G>A (p.Cys1065Tyr)

Gene: FANCM (FA complementation group M; plus strand). Cytogenetic location: 14q21.2.
Variant type: single nucleotide variant.
Coding change: c.3194G>A on transcript NM_020937.4 (MANE Select); coding-DNA position 3194, G replaced by A.
Protein change: p.Cys1065Tyr; replaces cysteine 1065 with tyrosine.
Molecular consequence: missense variant.
Genome position (GRCh38, 1-based): chr14:45,175,948, G>A. VCF-style: chr14-45175948-G-A. GRCh37 (hg19) VCF-style: chr14-45645151-G-A.
Other names: c.3116G>A, p.Cys1039Tyr (NM_001308133.2); short protein forms C1039Y, C1065Y.
Identifiers: ClinVar variation 1312666 (VCV001312666.2), dbSNP rs1888658435, ClinGen allele CA389600209.

ClinVar aggregate classification (germline): Uncertain significance (1 of 4 stars; one submission).

Allele frequency attached by ClinVar (database versions not stated): gnomAD 0.00001.
gnomAD v4.1: 1 of 1,613,194 alleles (0.000062%); highest among the groups gnomAD compares: South Asian, 0.0011%; no homozygotes.

Submission:

GeneDx
Classification: Uncertain significance. Last evaluated: 2020-05-20. Review status: criteria provided, single submitter. Criteria: GeneDx Variant Classification Process June 2021. Collection method: clinical testing. Allele origin: germline. Affected: yes.
Comment: Not observed in large population cohorts (Lek et al., 2016); In silico analysis supports that this missense variant has a deleterious effect on protein structure/function; Has not been previously published as pathogenic or benign to our knowledge